The following is an entry in ClinVar:

NM_005334.3(HCFC1):c.5904C>T (p.Asn1968=)

Gene: HCFC1 (host cell factor C1; minus strand). Cytogenetic location: Xq28.
Variant type: single nucleotide variant.
Coding change: c.5904C>T on transcript NM_005334.3 (MANE Select); coding-DNA position 5904, C replaced by T.
Protein change: p.Asn1968=; no amino-acid change (asparagine 1968 retained).
Molecular consequence: synonymous variant.
Genome position (GRCh38, 1-based): chrX:153,950,343, G>A on the plus strand (C>T on the coding strand, the complement: HCFC1 is on the minus strand). VCF-style: chrX-153950343-G-A. GRCh37 (hg19) VCF-style: chrX-153215794-G-A.
Identifiers: ClinVar variation 1599351 (VCV001599351.24), dbSNP rs782684668, ClinGen allele CA10556718.

ClinVar aggregate classification (germline): Benign/Likely benign. Review status: criteria provided, multiple submitters, no conflicts (2 of 4 stars). 2 submissions from 2 submitters: Benign (1); Likely benign (1). Last evaluated 2024-10-29.

Conditions:
Methylmalonic acidemia with homocystinuria, type cblX (MAHCX). Also called: INTELLECTUAL DEVELOPMENTAL DISORDER, X-LINKED 3. Identifiers: Orphanet 369962, MedGen C0796208, MONDO:0010657, OMIM 309541.

Allele frequency attached by ClinVar (database versions not stated): ExAC 0.00002; gnomAD exomes 0.00002 and 0.00003; gnomAD 0.00006 and 0.00008; TOPMed 0.00007.
gnomAD v4.1: 47 of 1,209,299 alleles (0.0039%); highest among the groups gnomAD compares: Admixed American, 0.0044%; no homozygotes.

Submissions (2):

Labcorp Genetics (formerly Invitae), Labcorp
Classification: Benign for Methylmalonic acidemia with homocystinuria, type cblX. Last evaluated: 2024-10-29. Review status: criteria provided, single submitter. Criteria: Invitae Variant Classification Sherloc (09022015). Collection method: clinical testing. Allele origin: germline.

CeGaT Center for Human Genetics Tuebingen
Classification: Likely benign. Last evaluated: 2024-08-01. Review status: criteria provided, single submitter. Criteria: CeGaT Center For Human Genetics Tuebingen Variant Classification Criteria Version 2. Collection method: clinical testing. Allele origin: germline. Affected: yes. Observed: 1 variant allele.
Comment: HCFC1: BP4, BP7, BS2